The following is an entry in ClinVar:

ClinVar aggregate classification (germline): Likely benign. Review status: criteria provided, multiple submitters, no conflicts (2 of 4 stars). 3 submissions from 3 submitters: Likely benign (2). 1 of the submissions does not count toward it. Last evaluated 2026-01-22.

Conditions:
MYH9-related disorder. Identifiers: MedGen C1854520.

Allele frequency attached by ClinVar (database versions not stated): gnomAD 0.00001; ExAC 0.00003; TOPMed 0.00003; gnomAD exomes 0.00004; ESP Exome Variant Server 0.00008.
gnomAD v4.1: 65 of 1,614,026 alleles (0.004%); highest among the groups gnomAD compares: Admixed American, 0.023%; 1 homozygote.

Submissions (3):

Labcorp Genetics (formerly Invitae), Labcorp
Classification: Likely benign. Last evaluated: 2026-01-22. Review status: criteria provided, single submitter. Criteria: Invitae Variant Classification Sherloc (09022015). Collection method: clinical testing. Allele origin: germline.

Blueprint Genetics
Classification: Likely benign. Last evaluated: 2023-12-05. Review status: criteria provided, single submitter. Criteria: ACMG Guidelines, 2015. Collection method: clinical testing. Allele origin: germline.

PreventionGenetics, part of Exact Sciences
Classification: Likely benign for MYH9-related condition. Last evaluated: 2021-02-01. Review status: no assertion criteria provided. Collection method: clinical testing. Allele origin: germline. Not counted in ClinVar's aggregate classification.
Comment: This variant is classified as likely benign based on ACMG/AMP sequence variant interpretation guidelines (Richards et al. 2015 PMID: 25741868, with internal and published modifications).

NM_002473.6(MYH9):c.3051C>T (p.Ser1017=)

Gene: MYH9 (myosin heavy chain 9; minus strand). Cytogenetic location: 22q12.3.
Variant type: single nucleotide variant.
Coding change: c.3051C>T on transcript NM_002473.6 (MANE Select); coding-DNA position 3051, C replaced by T.
Protein change: p.Ser1017=; no amino-acid change (serine 1017 retained).
Molecular consequence: synonymous variant.
Genome position (GRCh38, 1-based): chr22:36,298,968, G>A on the plus strand (C>T on the coding strand, the complement: MYH9 is on the minus strand). VCF-style: chr22-36298968-G-A. GRCh37 (hg19) VCF-style: chr22-36695014-G-A.
Identifiers: ClinVar variation 727873 (VCV000727873.9), dbSNP rs145404206, ClinGen allele CA10209774.